The following is an entry in ClinVar:

ClinVar aggregate classification (germline): Conflicting classifications of pathogenicity. Review status: criteria provided, conflicting classifications (1 of 4 stars). 11 submissions from 11 submitters: Pathogenic (5); Likely pathogenic (3); Uncertain significance (2). 1 of the submissions does not count toward it. Last evaluated 2026-01-09.

Conditions:
SLC38A8-related disorder. Also called: SLC38A8-related condition.
Inborn genetic diseases. Identifiers: MedGen C0950123, MeSH D030342.
Foveal hypoplasia - optic nerve decussation defect - anterior segment dysgenesis syndrome. Also called: FOVEAL HYPOPLASIA 2 WITH OPTIC NERVE DECUSSATION DEFECTS AND ANTERIOR SEGMENT DYSGENESIS WITHOUT ALBINISM; Foveal hypoplasia 2; FOVEAL HYPOPLASIA 2 WITH OR WITHOUT OPTIC NERVE MISROUTING AND/OR ANTERIOR SEGMENT DYSGENESIS; FOVEAL HYPOPLASIA 2 WITH OR WITHOUT MICROPHTHALMIA OR COLOBOMA. Identifiers: Orphanet 397618, MedGen C3807873, MONDO:0012216, OMIM 609218.

Allele frequency attached by ClinVar (database versions not stated): gnomAD exomes 0.00016 and 0.00028; gnomAD 0.00024; TOPMed 0.00027; ExAC 0.00031; ESP Exome Variant Server 0.00038.
gnomAD v4.1: 291 of 1,613,852 alleles (0.018%); highest among the groups gnomAD compares: Non-Finnish European, 0.0029%; 4 homozygotes.

Submissions (11):

Labcorp Genetics (formerly Invitae), Labcorp
Classification: Pathogenic. Last evaluated: 2026-01-09. Review status: criteria provided, single submitter. Criteria: Invitae Variant Classification Sherloc (09022015). Collection method: clinical testing. Allele origin: germline.
Comment: This sequence change replaces aspartic acid, which is acidic and polar, with alanine, which is neutral and non-polar, at codon 283 of the SLC38A8 protein (p.Asp283Ala). This variant is present in population databases (rs139373929, gnomAD 0.6%). This missense change has been observed in individuals with autosomal recessive foveal hypoplasia (PMID: 28546991, 29345414, 33498813; internal data). It has also been observed to segregate with disease in related individuals. ClinVar contains an entry for this variant (Variation ID: 372508). Invitae Evidence Modeling of protein sequence and biophysical properties (such as structural, functional, and spatial information, amino acid conservation, physicochemical variation, residue mobility, and thermodynamic stability) indicates that this missense variant is expected to disrupt SLC38A8 protein function with a positive predictive value of 80%. For these reasons, this variant has been classified as Pathogenic.

PreventionGenetics, part of Exact Sciences
Classification: Likely pathogenic for SLC38A8-related condition. Last evaluated: 2025-12-16. Review status: criteria provided, single submitter. Criteria: ACMG Guidelines, 2015. Collection method: clinical testing. Allele origin: germline.
Comment: The SLC38A8 c.848A>C variant is predicted to result in the amino acid substitution p.Asp283Ala. This variant has been reported as segregating with disease in the homozygous state in a kindred with foveal hypoplasia (Toral et al. 2017. PubMed ID: 28546991). This variant has also been reported along with a second SLC38A8 variant in individuals with retinal disease (Table S9, Lasseaux et al. 2018. PubMed ID: 29345414; Schiff et al. 2021. PubMed ID: 33498813; Ehrenberg et al. 2021. PubMed ID: 33594928). This variant is present in 0.62% of alleles in individuals of Ashkenazi Jewish descent in gnomAD including 4 homozygotes in v.4.1.0, indicating it is relatively common in this population. Given the evidence, we interpret this variant as likely pathogenic.

Ambry Genetics
Classification: Pathogenic for Inborn genetic diseases. Last evaluated: 2025-09-30. Review status: criteria provided, single submitter. Criteria: Ambry Variant Classification Scheme 2023. Collection method: clinical testing. Allele origin: germline.
Comment: The c.848A>C (p.D283A) alteration is located in exon 7 (coding exon 7) of the SLC38A8 gene. This alteration results from an A to C substitution at nucleotide position 848, causing the aspartic acid (D) at amino acid position 283 to be replaced by an alanine (A). Based on data from gnomAD, the C allele has an overall frequency of 0.027% (75/282710) total alleles studied. The highest observed frequency was 0.618% (64/10360) of Ashkenazi Jewish alleles. This variant has been identified in the homozygous state and/or in conjunction with other SLC38A8 variant(s) in individual(s) with features consistent with SLC38A8-related foveal hypoplasia (Shoji, 2023; Kruijt, 2022; Schiff, 2021; Lasseaux, 2018; Toral, 2017; external communication). This amino acid position is highly conserved in available vertebrate species. The in silico prediction for this alteration is inconclusive. Based on the available evidence, this alteration is classified as pathogenic.

Women's Health and Genetics/Laboratory Corporation of America, LabCorp
Classification: Pathogenic for Foveal hypoplasia - optic nerve decussation defect - anterior segment dysgenesis syndrome. Last evaluated: 2025-04-09. Review status: criteria provided, single submitter. Criteria: LabCorp Variant Classification Summary - May 2015. Collection method: clinical testing. Allele origin: germline.
Comment: Variant summary: SLC38A8 c.848A>C (p.Asp283Ala) results in a non-conservative amino acid change in the encoded protein sequence. Four of five in-silico tools predict a damaging effect of the variant on protein function. The variant allele was found at a frequency of 0.00028 in 251370 control chromosomes in the gnomAD database, including 1 homozygotes. This frequency is not significantly higher than estimated for a pathogenic variant in SLC38A8 causing Foveal Hypoplasia, Optic Nerve Decussation Defect, Anterior Segment Dysgenesis Syndrome, allowing no conclusion about variant significance. c.848A>C has been reported in the literature in multiple individuals affected with Foveal Hypoplasia, Optic Nerve Decussation Defect, Anterior Segment Dysgenesis Syndrome (e.g., Schiff_2021, Toral_2017). The following publications have been ascertained in the context of this evaluation (PMID: 33498813, 28546991). ClinVar contains an entry for this variant (Variation ID: 372508). Based on the evidence outlined above, the variant was classified as pathogenic.

Blueprint Genetics
Classification: Pathogenic for SLC38A8-related disorders. Last evaluated: 2024-06-12. Review status: criteria provided, single submitter. Criteria: ACMG Guidelines, 2015. Collection method: clinical testing. Allele origin: germline. Affected: yes. Observed: 5 variant alleles.

Fulgent Genetics
Classification: Pathogenic for Foveal hypoplasia - optic nerve decussation defect - anterior segment dysgenesis syndrome. Last evaluated: 2024-04-03. Review status: criteria provided, single submitter. Criteria: ACMG Guidelines, 2015. Collection method: clinical testing. Allele origin: germline.

Revvity Omics, Revvity
Classification: Likely pathogenic for Foveal hypoplasia - optic nerve decussation defect - anterior segment dysgenesis syndrome. Last evaluated: 2023-06-02. Review status: criteria provided, single submitter. Criteria: ACMG Guidelines, 2015. Collection method: clinical testing. Allele origin: germline.

Department of Pathology and Laboratory Medicine, Sinai Health System
Classification: Uncertain significance for Foveal hypoplasia - optic nerve decussation defect - anterior segment dysgenesis syndrome. Last evaluated: 2022-05-17. Review status: criteria provided, single submitter. Criteria: ACMG Guidelines, 2015. Collection method: research. Allele origin: germline.

Undiagnosed Diseases Network, NIH
Classification: Uncertain significance for Foveal hypoplasia - optic nerve decussation defect - anterior segment dysgenesis syndrome. Last evaluated: 2020-04-08. Review status: criteria provided, single submitter. Criteria: ACMG Guidelines, 2015. Collection method: clinical testing. Allele origin: paternal. Inheritance: Autosomal recessive inheritance. Affected: yes. Observed: 1 variant allele, 1 compound heterozygote. Study: Undiagnosed Diseases Network (NIH), UDN.

GeneDx
Classification: Likely pathogenic. Last evaluated: 2016-01-26. Review status: criteria provided, single submitter. Criteria: GeneDx Variant Classification (06012015). Collection method: clinical testing. Allele origin: germline. Affected: yes.
Comment: The D283A variant in the SLC38A8 gene has not been reported previously as a pathogenic variant, nor as a benign variant, to our knowledge. The D283A variant was not observed at any significant frequency in approximately 6,500 individuals of European and African American ancestry in the NHLBI Exome Sequencing Project, indicating it is not a common benign variant in these populations. The D283A variant is a non-conservative amino acid substitution that occurs at a position which is highly conserved across species. In silico analysis predicts this variant is probably damaging to the protein structure/function. A single amino acid deletion of an adjacent residue (A282del) has been reported in the compound heterozygous state in two sisters affected with foveal hypoplasia and optic nerve decussation defects, supporting the functional importance of this region of the protein (Poulter et al., 2013). The D283A variant is a strong candidate for a pathogenic variant, however the possibility it may be a rare benign variant cannot be excluded.

Reproductive Health Research and Development, BGI Genomics
Classification: Uncertain significance for Foveal hypoplasia 2, with or without optic nerve misrouting and/or anterior segment dysgenesis. Last evaluated: 2020-01-06. Review status: no assertion criteria provided. Collection method: curation. Allele origin: germline. Not counted in ClinVar's aggregate classification.
Comment: NM_001080442.1:c.848A>C in the SLC38A8 gene has an allele frequency of 0.006 in Ashkenazi Jewish subpopulation in the gnomAD database. Pathogenic computational verdict because pathogenic predictions from DANN, EIGEN, FATHMM-MKL, M-CAP, MutationAssessor, MutationTaster, PrimateAI, REVEL and SIFT. We interpret it as variant of uncertain significance (VUS). ACMG/AMP criteria applied: PP3.

Literature cited by the submitters: PubMed 28546991 (cited by 3 submitters); PubMed 29345414 (cited by Labcorp Genetics (formerly Invitae), Labcorp and Ambry Genetics); PubMed 33498813 (cited by 3 submitters); PubMed 35029636 (cited by Ambry Genetics); PubMed 36748941 (cited by Ambry Genetics).

NM_001080442.3(SLC38A8):c.848A>C (p.Asp283Ala)

Gene: SLC38A8 (solute carrier family 38 member 8; minus strand). Cytogenetic location: 16q23.3.
Variant type: single nucleotide variant.
Coding change: c.848A>C on transcript NM_001080442.3 (MANE Select); coding-DNA position 848, A replaced by C.
Protein change: p.Asp283Ala; replaces aspartic acid 283 with alanine.
Molecular consequence: missense variant.
Genome position (GRCh38, 1-based): chr16:84,017,245, T>G on the plus strand (A>C on the coding strand, the complement: SLC38A8 is on the minus strand). VCF-style: chr16-84017245-T-G. GRCh37 (hg19) VCF-style: chr16-84050850-T-G.
Other names: short protein forms D283A.
Identifiers: ClinVar variation 372508 (VCV000372508.21), dbSNP rs139373929, ClinGen allele CA8199953.